The following is an entry in ClinVar:

ClinVar aggregate classification (germline): Pathogenic (1 of 4 stars; one submission).

Conditions:
Glycine encephalopathy. Also called: Nonketotic hyperglycinemia; Non-ketotic hyperglycinemia. Identifiers: Orphanet 407, MedGen C0751748, MONDO:0011612, HP:0008288.

Submission:

Labcorp Genetics (formerly Invitae), Labcorp
Classification: Pathogenic for Glycine encephalopathy. Last evaluated: 2023-09-21. Review status: criteria provided, single submitter. Criteria: Invitae Variant Classification Sherloc (09022015). Collection method: clinical testing. Allele origin: unknown.
Comment: This variant is a gross deletion of the genomic region encompassing exon(s) 1-9 of the GLDC gene, which includes the initiator codon. This deletion extends beyond the assayed region for this gene and therefore may encompass additional genes. It is expected to result in an absent or disrupted protein product. Loss-of-function variants in GLDC are known to be pathogenic (PMID: 16601880). This variant has not been reported in the literature in individuals affected with GLDC-related conditions. For these reasons, this variant has been classified as Pathogenic.

Literature cited by the submitters: PubMed 16601880.

NC_000009.11:g.(?_6594994)_(6645499_?)del

Gene: GLDC (glycine decarboxylase; minus strand). Cytogenetic location: 9p24.1.
Variant type: Deletion.
Identifiers: ClinVar variation 3245144 (VCV003245144.1).